The following is an entry in ClinVar:

ClinVar aggregate classification (germline): Likely benign. Review status: criteria provided, multiple submitters, no conflicts (2 of 4 stars). 3 submissions from 3 submitters: Likely benign (2). 1 of the submissions does not count toward it. Last evaluated 2026-01-19.

Conditions:
Usher syndrome type 1F (USH1F). Also called: USHER SYNDROME, TYPE IF. Identifiers: Orphanet 231169, Orphanet 886, MedGen C1865885, MONDO:0011186, OMIM 602083.

Allele frequency attached by ClinVar (database versions not stated): gnomAD exomes below 0.00001 and 0.00001; 1000 Genomes Project 30x 0.00031; TOPMed below 0.00001; gnomAD 0.00001; 1000 Genomes Project 0.00020.
gnomAD v4.1: 5 of 1,614,010 alleles (0.00031%); highest among the groups gnomAD compares: East Asian, 0.0022%; no homozygotes.

Submissions (3):

Labcorp Genetics (formerly Invitae), Labcorp
Classification: Likely benign. Last evaluated: 2026-01-19. Review status: criteria provided, single submitter. Criteria: Invitae Variant Classification Sherloc (09022015). Collection method: clinical testing. Allele origin: germline.

CeGaT Center for Human Genetics Tuebingen
Classification: Likely benign. Last evaluated: 2025-05-01. Review status: criteria provided, single submitter. Criteria: CeGaT Center For Human Genetics Tuebingen Variant Classification Criteria Version 2. Collection method: clinical testing. Allele origin: germline. Affected: yes. Observed: 1 variant allele.
Comment: PCDH15: BP4, BP7

Natera, Inc.
Classification: Likely benign for Usher syndrome type 1F. Last evaluated: 2021-08-11. Review status: no assertion criteria provided. Collection method: clinical testing. Allele origin: germline. Not counted in ClinVar's aggregate classification.

NM_033056.4(PCDH15):c.4524G>A (p.Lys1508=)

Gene: PCDH15 (protocadherin related 15; minus strand). Cytogenetic location: 10q21.1.
Variant type: single nucleotide variant.
Coding change: c.4524G>A on transcript NM_033056.4 (MANE Plus Clinical); coding-DNA position 4524, G replaced by A.
Protein change: p.Lys1508=; no amino-acid change (lysine 1508 retained).
Molecular consequence: synonymous variant. On other transcripts: intron variant (8).
Genome position (GRCh38, 1-based): chr10:53,823,202, C>T on the plus strand (G>A on the coding strand, the complement: PCDH15 is on the minus strand). VCF-style: chr10-53823202-C-T. GRCh37 (hg19) VCF-style: chr10-55582962-C-T.
Other names: c.4545G>A, p.Lys1515= (NM_001142763.2); c.4530G>A, p.Lys1510= (NM_001142764.2); c.4317G>A, p.Lys1439= (NM_001142765.2); c.4515G>A, p.Lys1505= (NM_001142766.2); c.4404G>A, p.Lys1468= (NM_001142767.2); c.4464G>A, p.Lys1488= (NM_001142768.2); c.4455G>A, p.Lys1485= (NM_001142773.2); c.4458G>A, p.Lys1486= (NM_001354404.2); and 6 more.
Identifiers: ClinVar variation 1123360 (VCV001123360.20), dbSNP rs200141161, ClinGen allele CA207220919.